The following is an entry in ClinVar:

NM_006231.4(POLE):c.1227-19G>A

Gene: POLE (DNA polymerase epsilon, catalytic subunit; minus strand). Cytogenetic location: 12q24.33.
Variant type: single nucleotide variant.
Coding change: c.1227-19G>A on transcript NM_006231.4 (MANE Select); 19 bases into the intron before coding-DNA position 1227, G replaced by A.
Molecular consequence: intron variant.
Genome position (GRCh38, 1-based): chr12:132,673,726, C>T on the plus strand (G>A on the coding strand, the complement: POLE is on the minus strand). VCF-style: chr12-132673726-C-T. GRCh37 (hg19) VCF-style: chr12-133250312-C-T.
Identifiers: ClinVar variation 3010181 (VCV003010181.4), dbSNP rs2136001168, ClinGen allele CA2622060677.

ClinVar aggregate classification (germline): Likely benign. Review status: criteria provided, multiple submitters, no conflicts (2 of 4 stars). 2 submissions from 2 submitters: Likely benign (2). Last evaluated 2025-02-10.

Conditions:
Colorectal cancer, susceptibility to, 12 (CRCS12). Also called: COLORECTAL CANCER, SUSCEPTIBILITY TO, ON CHROMOSOME 12q24. Identifiers: Orphanet 220460, MedGen C3554460, MONDO:0014038, OMIM 615083.

Allele frequency attached by ClinVar (database versions not stated): gnomAD exomes below 0.00001.
gnomAD v4.1: 1 of 1,612,630 alleles (0.000062%); highest among the groups gnomAD compares: Non-Finnish European, 0.000085%; no homozygotes.

Submissions (2):

Myriad Genetics, Inc.
Classification: Likely benign for Colorectal cancer, susceptibility to, 12. Last evaluated: 2025-02-10. Review status: criteria provided, single submitter. Criteria: Myriad Autosomal Dominant, Autosomal Recessive and X-Linked Classification Criteria (2023). Collection method: clinical testing. Allele origin: unknown.
Comment: This variant is considered likely benign. This variant is intronic and is not expected to impact mRNA splicing.

Labcorp Genetics (formerly Invitae), Labcorp
Classification: Likely benign. Last evaluated: 2024-05-19. Review status: criteria provided, single submitter. Criteria: Invitae Variant Classification Sherloc (09022015). Collection method: clinical testing. Allele origin: germline.